The following is an entry in ClinVar:

NM_172107.4(KCNQ2):c.199C>T (p.Pro67Ser)

Gene: KCNQ2 (potassium voltage-gated channel subfamily Q member 2; minus strand). Cytogenetic location: 20q13.33.
Variant type: single nucleotide variant.
Coding change: c.199C>T on transcript NM_172107.4 (MANE Select); coding-DNA position 199, C replaced by T.
Protein change: p.Pro67Ser; replaces proline 67 with serine.
Molecular consequence: missense variant.
Genome position (GRCh38, 1-based): chr20:63,472,265, G>A on the plus strand (C>T on the coding strand, the complement: KCNQ2 is on the minus strand). VCF-style: chr20-63472265-G-A. GRCh37 (hg19) VCF-style: chr20-62103618-G-A.
Other names: c.199C>T, p.Pro67Ser (NM_001382235.1, NM_004518.6, NM_172106.3 and 2 more transcripts); short protein forms P67S.
Identifiers: ClinVar variation 931897 (VCV000931897.13), dbSNP rs972841085, ClinGen allele CA317423801.
Genomic context (GRCh38, chr20:63,472,265, plus strand): 5'-GCTCCAGCACGTTGTAGAGGAAATTCTGCAGCTTGCGGTAGAAGGCGTTGCGCTTGGGGG[G>A]CTTCCCGGCGCCCGCGCCGCCCGCGCGAGGTTTGCTGAGGATGCTGCCGCGCTTGGGGGC-3'
Protein context (NP_742105.1, residues 57-77): PRAGGAGAGK[Pro67Ser]PKRNAFYRKL

ClinVar aggregate classification (germline): Uncertain significance. Review status: criteria provided, multiple submitters, no conflicts (2 of 4 stars). 3 submissions from 3 submitters: Uncertain significance (3). Last evaluated 2022-08-17.

Conditions:
Developmental and epileptic encephalopathy, 7 (DEE7). Also called: Early infantile epileptic encephalopathy 7; KCNQ2-Related Neonatal-Onset Developmental and Epileptic Encephalopathy (NEO-DEE); KCNQ2-Related Neonatal Epileptic Encephalopathy. Identifiers: Orphanet 439218, MedGen C3150986, MONDO:0013387, OMIM 613720.
Inborn genetic diseases. Identifiers: MedGen C0950123, MeSH D030342.
Early-infantile DEE. Also called: Early infantile epileptic encephalopathy; Ohtahara syndrome; Early infantile epileptic encephalopathy with suppression bursts. Identifiers: Orphanet 1934, MedGen C0393706, MONDO:0800491.

Allele frequency attached by ClinVar (database versions not stated): TOPMed 0.00002.
gnomAD v4.1: 24 of 1,537,962 alleles (0.0016%); highest among the groups gnomAD compares: African/African-American, 0.0028%; no homozygotes.

Submissions (3):

Ambry Genetics
Classification: Uncertain significance for Inborn genetic diseases. Last evaluated: 2022-08-17. Review status: criteria provided, single submitter. Criteria: Ambry Variant Classification Scheme 2023. Collection method: clinical testing. Allele origin: germline.

Labcorp Genetics (formerly Invitae), Labcorp
Classification: Uncertain significance for Early-infantile DEE. Last evaluated: 2021-08-10. Review status: criteria provided, single submitter. Criteria: Invitae Variant Classification Sherloc (09022015). Collection method: clinical testing. Allele origin: germline.
Comment: This sequence change replaces proline with serine at codon 67 of the KCNQ2 protein (p.Pro67Ser). The proline residue is moderately conserved and there is a moderate physicochemical difference between proline and serine. The frequency data for this variant in the population databases is considered unreliable, as metrics indicate insufficient coverage at this position in the ExAC database. This variant has not been reported in the literature in individuals with KCNQ2-related conditions. ClinVar contains an entry for this variant (Variation ID: 931897). Algorithms developed to predict the effect of missense changes on protein structure and function are either unavailable or do not agree on the potential impact of this missense change (SIFT: "Tolerated"; PolyPhen-2: "Possibly Damaging"; Align-GVGD: "Class C0"). In summary, the available evidence is currently insufficient to determine the role of this variant in disease. Therefore, it has been classified as a Variant of Uncertain Significance.

Centre for Mendelian Genomics, University Medical Centre Ljubljana
Classification: Uncertain significance for Developmental and epileptic encephalopathy, 7. Last evaluated: 2020-04-02. Review status: criteria provided, single submitter. Criteria: ACMG Guidelines, 2015. Collection method: clinical testing. Allele origin: unknown. Affected: yes.
Comment: This variant was classified as: Uncertain significance. The available evidence on this variant's pathogenicity is insufficient or conflicting. The following ACMG criteria were applied in classifying this variant: PP2.